The following is an entry in ClinVar:

ClinVar aggregate classification (germline): Likely pathogenic (1 of 4 stars; one submission).

Submission:

GeneDx
Classification: Likely pathogenic. Last evaluated: 2025-05-18. Review status: criteria provided, single submitter. Criteria: GeneDx Variant Classification Process June 2021. Collection method: clinical testing. Allele origin: germline. Affected: yes.
Comment: Frameshift variant predicted to result in protein truncation or nonsense mediated decay in a gene for which loss of function is a known mechanism of disease; Not observed at significant frequency in large population cohorts (gnomAD); Has not been previously published as pathogenic or benign to our knowledge

NM_001376.5(DYNC1H1):c.10869dup (p.Glu3624fs)

Gene: DYNC1H1 (dynein cytoplasmic 1 heavy chain 1; plus strand). Cytogenetic location: 14q32.31.
Variant type: Duplication.
Coding change: c.10869dup on transcript NM_001376.5 (MANE Select); coding-DNA position 10869, one base duplicated (A; older notation c.10869dupA).
Protein change: p.Glu3624fs; shifts the reading frame from glutamic acid 3624.
Molecular consequence: frameshift variant.
Genome position (GRCh38, 1-based): chr14:102,036,603, A duplicated. VCF-style (leftmost placement, unchanged base first): chr14-102036602-T-TA. GRCh37 (hg19) VCF-style: chr14-102502939-T-TA.
Other names: short protein forms E3624fs.
Identifiers: ClinVar variation 1695725 (VCV001695725.3), dbSNP rs2152593686, ClinGen allele CA2580088421.